The following is an entry in ClinVar:

NM_024598.4(USB1):c.577A>G (p.Met193Val)

Gene: USB1 (U6 snRNA biogenesis phosphodiesterase 1; plus strand). Cytogenetic location: 16q21.
Variant type: single nucleotide variant.
Coding change: c.577A>G on transcript NM_024598.4 (MANE Select); coding-DNA position 577, A replaced by G.
Protein change: p.Met193Val; replaces methionine 193 with valine.
Molecular consequence: missense variant.
Genome position (GRCh38, 1-based): chr16:58,017,407, A>G. VCF-style: chr16-58017407-A-G. GRCh37 (hg19) VCF-style: chr16-58051311-A-G.
Other names: c.523A>G, p.Met175Val (NM_001195302.2); c.424A>G, p.Met142Val (NM_001330568.2); short protein forms M175V, M193V, M142V.
Identifiers: ClinVar variation 4196825 (VCV004196825.1).

ClinVar aggregate classification (germline): Uncertain significance (1 of 4 stars; one submission).

Conditions:
Inborn genetic diseases. Identifiers: MedGen C0950123, MeSH D030342.

Submission:

Ambry Genetics
Classification: Uncertain significance for Inborn genetic diseases. Last evaluated: 2025-08-31. Review status: criteria provided, single submitter. Criteria: Ambry Variant Classification Scheme 2023. Collection method: clinical testing. Allele origin: germline.
Comment: The p.M193V variant (also known as c.577A>G), located in coding exon 5 of the USB1 gene, results from an A to G substitution at nucleotide position 577. The methionine at codon 193 is replaced by valine, an amino acid with highly similar properties. This amino acid position is conserved. In addition, the in silico prediction for this alteration is inconclusive. Based on the available evidence, the clinical significance of this variant remains unclear.